The following is an entry in ClinVar:

NM_031443.4(CCM2):c.30G>A (p.Lys10=)

Genes: CCM2 (CCM2 scaffold protein; plus strand), LOC129998395 (ATAC-STARR-seq lymphoblastoid silent region 18162; plus strand). Cytogenetic location: 7p13.
Variant type: single nucleotide variant.
Coding change: c.30G>A on transcript NM_031443.4 (MANE Select); coding-DNA position 30, G replaced by A.
Protein change: p.Lys10=; no amino-acid change (lysine 10 retained).
Molecular consequence: synonymous variant.
Genome position (GRCh38, 1-based): chr7:45,000,363, G>A. VCF-style: chr7-45000363-G-A. GRCh37 (hg19) VCF-style: chr7-45039962-G-A.
Other names: c.30G>A, p.Lys10= (NM_001363458.2, NM_001363459.2, NM_001167934.2 and 1 more transcripts).
Identifiers: ClinVar variation 662968 (VCV000662968.36), dbSNP rs1583819255, ClinGen allele CA454908051.

ClinVar aggregate classification (germline): Conflicting classifications of pathogenicity. Review status: criteria provided, conflicting classifications (1 of 4 stars). 3 submissions from 3 submitters: Pathogenic (2); Uncertain significance (1). Last evaluated 2026-08-27.

Conditions:
Cerebral cavernous malformation 2. Also called: Familial Cerebral Cavernous Malformation 2. Identifiers: Orphanet 221061, MedGen C1864041, MONDO:0011304, OMIM 603284.

Submissions (3):

GeneDx
Classification: Pathogenic. Last evaluated: 2026-08-27. Review status: criteria provided, single submitter. Criteria: GeneDx Variant Classification Process June 2021. Collection method: clinical testing. Allele origin: germline.
Comment: RNA studies demonstrate a damaging effect with loss of variant transcript and production of a null allele (PMID: 23595507, 14624391); Not observed at significant frequency in large population cohorts (gnomAD); This variant is associated with the following publications: (PMID: 14624391, 24689081, 23595507, 27153162)

CeGaT Center for Human Genetics Tuebingen
Classification: Uncertain significance. Last evaluated: 2023-09-01. Review status: criteria provided, single submitter. Criteria: CeGaT Center For Human Genetics Tuebingen Variant Classification Criteria Version 2. Collection method: clinical testing. Allele origin: germline. Affected: yes. Observed: 1 variant allele.
Comment: CCM2: PS4:Moderate, PM2:Supporting, PP4, PS3:Supporting

Labcorp Genetics (formerly Invitae), Labcorp
Classification: Pathogenic for Cerebral cavernous malformation 2. Last evaluated: 2022-06-16. Review status: criteria provided, single submitter. Criteria: Invitae Variant Classification Sherloc (09022015). Collection method: clinical testing. Allele origin: germline.
Comment: For these reasons, this variant has been classified as Pathogenic. Variants that disrupt the consensus splice site are a relatively common cause of aberrant splicing (PMID: 17576681, 9536098). Algorithms developed to predict the effect of sequence changes on RNA splicing suggest that this variant is not likely to affect RNA splicing. ClinVar contains an entry for this variant (Variation ID: 662968). This variant has been observed in individual(s) with cerebral cavernous malformations (PMID: 14624391, 23595507, 24689081). This variant is not present in population databases (gnomAD no frequency). This sequence change affects codon 10 of the CCM2 mRNA. It is a 'silent' change, meaning that it does not change the encoded amino acid sequence of the CCM2 protein. This variant also falls at the last nucleotide of exon 1, which is part of the consensus splice site for this exon.

Literature cited by the submitters: PubMed 17576681 (cited by Labcorp Genetics (formerly Invitae), Labcorp); PubMed 9536098 (cited by Labcorp Genetics (formerly Invitae), Labcorp); PubMed 14624391 (cited by Labcorp Genetics (formerly Invitae), Labcorp); PubMed 23595507 (cited by Labcorp Genetics (formerly Invitae), Labcorp); PubMed 24689081 (cited by Labcorp Genetics (formerly Invitae), Labcorp).